The following is an entry in ClinVar:

NM_032638.5(GATA2):c.23C>G (p.Pro8Arg)

Gene: GATA2 (GATA binding protein 2; minus strand). Cytogenetic location: 3q21.3.
Variant type: single nucleotide variant.
Coding change: c.23C>G on transcript NM_032638.5 (MANE Select); coding-DNA position 23, C replaced by G.
Protein change: p.Pro8Arg; replaces proline 8 with arginine.
Molecular consequence: missense variant.
Genome position (GRCh38, 1-based): chr3:128,487,009, G>C on the plus strand (C>G on the coding strand, the complement: GATA2 is on the minus strand). VCF-style: chr3-128487009-G-C. GRCh37 (hg19) VCF-style: chr3-128205852-G-C.
Other names: c.23C>G, p.Pro8Arg (NM_001145661.2, NM_001145662.1); c.23C>G (NM_032638.4); short protein forms P8R.
Identifiers: ClinVar variation 999048 (VCV000999048.10), dbSNP rs771557922, ClinGen allele CA354409265.

ClinVar aggregate classification (germline): Uncertain significance. Review status: criteria provided, multiple submitters, no conflicts (2 of 4 stars). 3 submissions from 3 submitters: Uncertain significance (3). Last evaluated 2024-12-06.

Conditions:
Inborn genetic diseases. Identifiers: MedGen C0950123, MeSH D030342.
Monocytopenia with susceptibility to infections. Also called: GATA2 DEFICIENCY; MONOCYTOPENIA AND MYCOBACTERIAL INFECTION SYNDROME; MONOCYTOPENIA WITH SUSCEPTIBILITY TO MYCOBACTERIAL, FUNGAL, AND PAPILLOMAVIRUS INFECTIONS AND MYELODYSPLASIA; COMBINED IMMUNODEFICIENCY WITH SUSCEPTIBILITY TO MYCOBACTERIAL, VIRAL, AND FUNGAL INFECTIONS; IMMUNODEFICIENCY 21; Dendritic cell, monocyte, B lymphocyte, and natural killer lymphocyte deficiency. Identifiers: Orphanet 228423, MedGen C3280030, MONDO:0013607, OMIM 614172.
Deafness-lymphedema-leukemia syndrome. Also called: Lymphedema, primary, with myelodysplasia; Emberger syndrome. Identifiers: Orphanet 3226, MedGen C3279664, MONDO:0013540, OMIM 614038.

Submissions (3):

Ambry Genetics
Classification: Uncertain significance for Inborn genetic diseases. Last evaluated: 2024-12-06. Review status: criteria provided, single submitter. Criteria: Ambry Variant Classification Scheme 2023. Collection method: clinical testing. Allele origin: germline.
Comment: The p.P8R variant (also known as c.23C>G), located in coding exon 1 of the GATA2 gene, results from a C to G substitution at nucleotide position 23. The proline at codon 8 is replaced by arginine, an amino acid with dissimilar properties. This amino acid position is conserved. In addition, this alteration is predicted to be deleterious by in silico analysis. Based on the available evidence, the clinical significance of this variant remains unclear.

Labcorp Genetics (formerly Invitae), Labcorp
Classification: Uncertain significance for Monocytopenia with susceptibility to infections; Deafness-lymphedema-leukemia syndrome. Last evaluated: 2024-11-11. Review status: criteria provided, single submitter. Criteria: Invitae Variant Classification Sherloc (09022015). Collection method: clinical testing. Allele origin: germline.
Comment: This sequence change replaces proline, which is neutral and non-polar, with arginine, which is basic and polar, at codon 8 of the GATA2 protein (p.Pro8Arg). This variant is not present in population databases (gnomAD no frequency). This variant has not been reported in the literature in individuals affected with GATA2-related conditions. ClinVar contains an entry for this variant (Variation ID: 999048). Invitae Evidence Modeling of protein sequence and biophysical properties (such as structural, functional, and spatial information, amino acid conservation, physicochemical variation, residue mobility, and thermodynamic stability) has been performed for this missense variant. However, the output from this modeling did not meet the statistical confidence thresholds required to predict the impact of this variant on GATA2 protein function. In summary, the available evidence is currently insufficient to determine the role of this variant in disease. Therefore, it has been classified as a Variant of Uncertain Significance.

Blueprint Genetics
Classification: Uncertain significance. Last evaluated: 2020-12-01. Review status: criteria provided, single submitter. Criteria: ACMG Guidelines, 2015. Collection method: clinical testing. Allele origin: germline.